The following is an entry in ClinVar:

NM_032119.4(ADGRV1):c.7582C>T (p.Pro2528Ser)

Gene: ADGRV1 (adhesion G protein-coupled receptor V1; plus strand). Cytogenetic location: 5q14.3.
Variant type: single nucleotide variant.
Coding change: c.7582C>T on transcript NM_032119.4 (MANE Select); coding-DNA position 7582, C replaced by T.
Protein change: p.Pro2528Ser; replaces proline 2528 with serine.
Molecular consequence: missense variant. On other transcripts: non-coding transcript variant (1).
Genome position (GRCh38, 1-based): chr5:90,694,338, C>T. VCF-style: chr5-90694338-C-T. GRCh37 (hg19) VCF-style: chr5-89990155-C-T.
Other names: short protein forms P2528S.
Identifiers: ClinVar variation 46377 (VCV000046377.55), dbSNP rs201733037, ClinGen allele CA138220.

ClinVar aggregate classification (germline): Conflicting classifications of pathogenicity. Review status: criteria provided, conflicting classifications (1 of 4 stars). 12 submissions from 12 submitters: Uncertain significance (1); Benign (5); Likely benign (2). 4 of the submissions do not count toward it. Last evaluated 2026-06-01.

Conditions:
Meniere disease. Also called: Ménière's disease. Identifiers: MedGen C0025281, MONDO:0007972, OMIM 156000.
Usher syndrome type 2C. Also called: Usher syndrome, type 2B; USHER SYNDROME, TYPE IIC. Identifiers: Orphanet 231178, Orphanet 886, MedGen C2931213, MONDO:0011558, OMIM 605472.

Allele frequency attached by ClinVar (database versions not stated): TOPMed 0.00217; gnomAD 0.00228 and 0.00274; ESP Exome Variant Server 0.00280; gnomAD exomes 0.00368 and 0.00417; 1000 Genomes Project 0.00399; 1000 Genomes Project 30x 0.00406; ExAC 0.00431.
gnomAD v4.1: 5,789 of 1,613,972 alleles (0.36%); highest among the groups gnomAD compares: South Asian, 1.6%; 27 homozygotes.

Submissions (12):

CeGaT Center for Human Genetics Tuebingen
Classification: Benign. Last evaluated: 2026-06-01. Review status: criteria provided, single submitter. Criteria: CeGaT Center For Human Genetics Tuebingen Variant Classification Criteria Version 2. Collection method: clinical testing. Allele origin: germline. Affected: yes. Observed: 9 variant alleles.
Comment: ADGRV1: BP4, BS1, BS2

Labcorp Genetics (formerly Invitae), Labcorp
Classification: Benign. Last evaluated: 2026-02-02. Review status: criteria provided, single submitter. Criteria: Invitae Variant Classification Sherloc (09022015). Collection method: clinical testing. Allele origin: germline.

Otology & Neurotology- Genomics of vestibular disorders (CTS-495), Jose Antonio López Escámez, Centro Pfizer - Universidad de Granada - Junta de Andalucía de Genómica e Investigación Oncológica (GENYO)
Classification: Uncertain significance for Meniere disease. Last evaluated: 2025-03-14. Review status: criteria provided, single submitter. Criteria: ACMG Guidelines, 2015. Collection method: case-control. Allele origin: inherited. Affected: yes.
Comment: The variant is heterozygous in 3/429 individuals with Meniere disease (MD) with an AF = 6.99x10-3. Digenic inheritance along with NM_000260.4:c.2507G>A(MYO7A) in one individual with familial MD. Digenic inheritance along with NM_000260.4:c.6530C>T, p.Ser2080Ser (MYO7A) splice region in 2 individuals with sporadic MD. The observed combined AF of both variants (ADGRV1 + MYO7A) is 2.5x10-4 in the MD cohort lower that the prevalence of Meniere disease 0,75/1000 individuals in Spain. In summary, the variant NM_032119.4(ADGRV1):c.7582C>T (p.Pro2528Ser) is considered VUS in the context of MD, a polygenic condition with complex inheritance.

GeneDx
Classification: Benign. Last evaluated: 2019-05-23. Review status: criteria provided, single submitter. Criteria: GeneDx Variant Classification Process June 2021. Collection method: clinical testing. Allele origin: germline. Affected: yes.
Comment: This variant is associated with the following publications: (PMID: 26576034)

Athena Diagnostics
Classification: Likely benign. Last evaluated: 2018-02-28. Review status: criteria provided, single submitter. Criteria: Athena Diagnostics Criteria. Collection method: clinical testing. Allele origin: germline.

Illumina Laboratory Services, Illumina
Classification: Likely benign for Usher syndrome type 2C. Last evaluated: 2018-01-13. Review status: criteria provided, single submitter. Criteria: ICSL Variant Classification Criteria 13 December 2019. Collection method: clinical testing. Allele origin: germline.
Comment: This variant was observed in the ICSL laboratory as part of a predisposition screen in an ostensibly healthy population. It had not been previously curated by ICSL or reported in the Human Gene Mutation Database (HGMD: prior to June 1st, 2018), and was therefore a candidate for classification through an automated scoring system. Utilizing variant allele frequency, disease prevalence and penetrance estimates, and inheritance mode, an automated score was calculated to assess if this variant is too frequent to cause the disease. Based on the score and internal cut-off values, a variant classified as likely benign is not then subjected to further curation. The score for this variant resulted in a classification of likely benign for this disease.

Eurofins Ntd Llc (ga)
Classification: Benign. Last evaluated: 2015-01-29. Review status: criteria provided, single submitter. Criteria: EGL Classification Definitions 2015. Collection method: clinical testing. Allele origin: germline. Observed: 2 variant alleles, 2 heterozygotes.

Laboratory for Molecular Medicine, Mass General Brigham Personalized Medicine
Classification: Benign. Last evaluated: 2012-04-30. Review status: criteria provided, single submitter. Criteria: LMM Criteria. Collection method: clinical testing. Allele origin: germline. Observed: 11 variant alleles.
Comment: Pro2528Ser in exon 33 of GPR98: This variant is not expected to have clinical si gnificance because it has been identified in 0.4% (27/6698) of European American chromosomes and 0.09% (3/3162) of African American chromosomes from a broad pop ulation by the NHLBI Exome sequencing project.

Clinical Genetics DNA and cytogenetics Diagnostics Lab, Erasmus MC, Erasmus Medical Center
Classification: Likely benign. Review status: no assertion criteria provided. Collection method: clinical testing. Allele origin: germline. Affected: yes. Study: VKGL Data-share Consensus. Not counted in ClinVar's aggregate classification.

Clinical Genetics, Academic Medical Center
Classification: Benign. Review status: no assertion criteria provided. Collection method: clinical testing. Allele origin: germline. Affected: yes. Study: VKGL Data-share Consensus. Not counted in ClinVar's aggregate classification.

Diagnostic Laboratory, Department of Genetics, University Medical Center Groningen
Classification: Likely benign. Review status: no assertion criteria provided. Collection method: clinical testing. Allele origin: germline. Affected: yes. Study: VKGL Data-share Consensus. Not counted in ClinVar's aggregate classification.

Genome Diagnostics Laboratory, University Medical Center Utrecht
Classification: Likely benign. Review status: no assertion criteria provided. Collection method: clinical testing. Allele origin: germline. Affected: yes. Study: VKGL Data-share Consensus. Not counted in ClinVar's aggregate classification.

Literature cited by the submitters: PubMed 37022572 (cited by Otology & Neurotology- Genomics of vestibular disorders (CTS-495), Jose Antonio López Escámez, Centro Pfizer - Universidad de Granada - Junta de Andalucía de Genómica e Investigación Oncológica (GENYO)).